The following is an entry in ClinVar:

NM_031935.3(HMCN1):c.15811A>G (p.Ile5271Val)

Gene: HMCN1 (hemicentin 1; plus strand). Cytogenetic location: 1q31.1.
Variant type: single nucleotide variant.
Coding change: c.15811A>G on transcript NM_031935.3 (MANE Select); coding-DNA position 15811, A replaced by G.
Protein change: p.Ile5271Val; replaces isoleucine 5271 with valine.
Molecular consequence: missense variant.
Genome position (GRCh38, 1-based): chr1:186,172,128, A>G. VCF-style: chr1-186172128-A-G. GRCh37 (hg19) VCF-style: chr1-186141260-A-G.
Other names: c.15811A>G (NM_031935.2); short protein forms I5271V.
Identifiers: ClinVar variation 1930318 (VCV001930318.6), dbSNP rs768885386, ClinGen allele CA1295377.
Genomic context (GRCh38, chr1:186,172,128, plus strand): 5'-GGCTATAAGTGCATTGATCTTTGTCCAAATGGAATGACCAAGGCAGAAAATGGAACCTGT[A>G]TTGGTGAGTGTCTGGCTGTTTCCGTGACTGAGATCAGTTTGCCGTCAACAAGTCAAGTAA-3'
Protein context (NP_114141.2, residues 5261-5281): GMTKAENGTC[Ile5271Val]DIDECKDGTH

ClinVar aggregate classification (germline): Uncertain significance. Review status: criteria provided, multiple submitters, no conflicts (2 of 4 stars). 2 submissions from 2 submitters: Uncertain significance (2). Last evaluated 2025-09-13.

Allele frequency attached by ClinVar (database versions not stated): gnomAD 0.00001; gnomAD exomes 0.00001; TOPMed 0.00001; ExAC 0.00002.
gnomAD v4.1: 19 of 1,613,536 alleles (0.0012%); highest among the groups gnomAD compares: East Asian, 0.022%; no homozygotes.

Submissions (2):

Labcorp Genetics (formerly Invitae), Labcorp
Classification: Uncertain significance. Last evaluated: 2025-09-13. Review status: criteria provided, single submitter. Criteria: Invitae Variant Classification Sherloc (09022015). Collection method: clinical testing. Allele origin: germline.
Comment: This sequence change replaces isoleucine, which is neutral and non-polar, with valine, which is neutral and non-polar, at codon 5271 of the HMCN1 protein (p.Ile5271Val). This variant is present in population databases (rs768885386, gnomAD 0.02%). This variant has not been reported in the literature in individuals affected with HMCN1-related conditions. ClinVar contains an entry for this variant (Variation ID: 1930318). An algorithm developed to predict the effect of missense changes on protein structure and function outputs the following: PolyPhen-2: "Benign". The valine amino acid residue is found in multiple mammalian species, which suggests that this missense change does not adversely affect protein function. In summary, the available evidence is currently insufficient to determine the role of this variant in disease. Therefore, it has been classified as a Variant of Uncertain Significance.

Ambry Genetics
Classification: Uncertain significance. Last evaluated: 2024-03-07. Review status: criteria provided, single submitter. Criteria: Ambry Variant Classification Scheme 2023. Collection method: clinical testing. Allele origin: germline.